The following is an entry in ClinVar:

NM_000092.5(COL4A4):c.190C>T (p.Arg64Trp)

Gene: COL4A4 (collagen type IV alpha 4 chain; minus strand). Cytogenetic location: 2q36.3.
Variant type: single nucleotide variant.
Coding change: c.190C>T on transcript NM_000092.5 (MANE Select); coding-DNA position 190, C replaced by T.
Protein change: p.Arg64Trp; replaces arginine 64 with tryptophan.
Molecular consequence: missense variant.
Genome position (GRCh38, 1-based): chr2:227,140,163, G>A on the plus strand (C>T on the coding strand, the complement: COL4A4 is on the minus strand). VCF-style: chr2-227140163-G-A. GRCh37 (hg19) VCF-style: chr2-228004879-G-A.
Other names: NC_000002.11:g.228004879G>A; short protein forms R64W.
Identifiers: ClinVar variation 522547 (VCV000522547.5), dbSNP rs200668675, ClinGen allele CA2145770.

ClinVar aggregate classification (germline): Uncertain significance. Review status: criteria provided, multiple submitters, no conflicts (2 of 4 stars). 3 submissions from 3 submitters: Uncertain significance (2). 1 of the submissions does not count toward it. Last evaluated 2026-07-01.

Conditions:
Autosomal dominant Alport syndrome (ATS3A). Also called: ALPORT SYNDROME 3A, AUTOSOMAL DOMINANT; Alport syndrome dominant type; Renal failure and sensorineural hearing loss. Identifiers: Orphanet 63, Orphanet 88918, MedGen C5882663, MONDO:0007086, OMIM 104200.
Benign familial hematuria. Also called: thin basement membrane disease. Identifiers: MedGen C0241908, MONDO:0957317.
Autosomal recessive Alport syndrome (ATS2). Also called: ALPORT SYNDROME 2, AUTOSOMAL RECESSIVE; Alport syndrome type 2; COL4A3-Related Nephropathy; COL4A4 Alport Syndrome and Thin Basement Membrane Nephropathy. Identifiers: Orphanet 63, Orphanet 88919, MedGen C4746745, MONDO:0008762, OMIM 203780.

Allele frequency attached by ClinVar (database versions not stated): ExAC 0.00002; gnomAD exomes 0.00002 and 0.00004; gnomAD 0.00012; TOPMed 0.00014.
gnomAD v4.1: 46 of 1,613,312 alleles (0.0029%); highest among the groups gnomAD compares: Admixed American, 0.033%; no homozygotes.

Submissions (4):

CeGaT Center for Human Genetics Tuebingen
Classification: Uncertain significance. Last evaluated: 2026-07-01. Review status: criteria provided, single submitter. Criteria: CeGaT Center For Human Genetics Tuebingen Variant Classification Criteria Version 2. Collection method: clinical testing. Allele origin: germline. Affected: yes. Observed: 1 variant allele.
Comment: COL4A4: PM2

Fulgent Genetics
Classification: Uncertain significance for Hematuria, benign familial, 1; Autosomal recessive Alport syndrome. Last evaluated: 2021-12-07. Review status: criteria provided, single submitter. Criteria: ACMG Guidelines, 2015. Collection method: clinical testing. Allele origin: unknown.

Bioscientia Institut fuer Medizinische Diagnostik GmbH, Sonic Healthcare
Classification: Uncertain significance for Autosomal dominant Alport syndrome. Last evaluated: 2017-12-01. Review status: no assertion criteria provided. Collection method: clinical testing. Allele origin: germline. Affected: yes. Not counted in ClinVar's aggregate classification.

Dr. Peter K. Rogan Lab, Western University
No classification provided (evidence only). Condition: Familial cancer of breast. Review status: no classification provided. Collection method: in vitro. Allele origin: not applicable. Functional consequence: retained intron. Not counted in ClinVar's aggregate classification.